The following is an entry in ClinVar:

NM_004260.4(RECQL4):c.3520G>C (p.Ala1174Pro)

Gene: RECQL4 (RecQ like helicase 4; minus strand). Cytogenetic location: 8q24.3.
Variant type: single nucleotide variant.
Coding change: c.3520G>C on transcript NM_004260.4 (MANE Select); coding-DNA position 3520, G replaced by C.
Protein change: p.Ala1174Pro; replaces alanine 1174 with proline.
Molecular consequence: missense variant.
Genome position (GRCh38, 1-based): chr8:144,511,538, C>G on the plus strand (G>C on the coding strand, the complement: RECQL4 is on the minus strand). VCF-style: chr8-144511538-C-G. GRCh37 (hg19) VCF-style: chr8-145736921-C-G.
Other names: c.3520G>C (NM_004260.3); short protein forms A1174P.
Identifiers: ClinVar variation 1054015 (VCV001054015.4), dbSNP rs1452579046, ClinGen allele CA372666123.

ClinVar aggregate classification (germline): Uncertain significance. Review status: criteria provided, multiple submitters, no conflicts (2 of 4 stars). 2 submissions from 2 submitters: Uncertain significance (2). Last evaluated 2024-11-23.

Conditions:
Inborn genetic diseases. Identifiers: MedGen C0950123, MeSH D030342.
Baller-Gerold syndrome (BGS). Also called: CRANIOSYNOSTOSIS WITH RADIAL DEFECTS. Identifiers: Orphanet 1225, MedGen C0265308, MONDO:0009039, OMIM 218600.

Allele frequency attached by ClinVar (database versions not stated): TOPMed below 0.00001.

Submissions (2):

Ambry Genetics
Classification: Uncertain significance for Inborn genetic diseases. Last evaluated: 2024-11-23. Review status: criteria provided, single submitter. Criteria: Ambry Variant Classification Scheme 2023. Collection method: clinical testing. Allele origin: germline.
Comment: The p.A1174P variant (also known as c.3520G>C), located in coding exon 21 of the RECQL4 gene, results from a G to C substitution at nucleotide position 3520. The alanine at codon 1174 is replaced by proline, an amino acid with highly similar properties. This amino acid position is conserved. Based on the available evidence, the clinical significance of this variant remains unclear.

Labcorp Genetics (formerly Invitae), Labcorp
Classification: Uncertain significance for Baller-Gerold syndrome. Last evaluated: 2024-05-06. Review status: criteria provided, single submitter. Criteria: Invitae Variant Classification Sherloc (09022015). Collection method: clinical testing. Allele origin: germline.
Comment: This sequence change replaces alanine, which is neutral and non-polar, with proline, which is neutral and non-polar, at codon 1174 of the RECQL4 protein (p.Ala1174Pro). This variant is not present in population databases (gnomAD no frequency). This variant has not been reported in the literature in individuals affected with RECQL4-related conditions. ClinVar contains an entry for this variant (Variation ID: 1054015). Advanced modeling of protein sequence and biophysical properties (such as structural, functional, and spatial information, amino acid conservation, physicochemical variation, residue mobility, and thermodynamic stability) performed at Invitae indicates that this missense variant is not expected to disrupt RECQL4 protein function with a negative predictive value of 80%. In summary, the available evidence is currently insufficient to determine the role of this variant in disease. Therefore, it has been classified as a Variant of Uncertain Significance.